The following is an entry in ClinVar:

NM_175614.5(NDUFA11):c.385C>T (p.Arg129Trp)

Gene: NDUFA11 (NADH:ubiquinone oxidoreductase subunit A11; minus strand). Cytogenetic location: 19p13.3.
Variant type: single nucleotide variant.
Coding change: c.385C>T on transcript NM_175614.5 (MANE Select); coding-DNA position 385, C replaced by T.
Protein change: p.Arg129Trp; replaces arginine 129 with tryptophan.
Molecular consequence: missense variant. On other transcripts: non-coding transcript variant (1), intron variant (1).
Genome position (GRCh38, 1-based): chr19:5,894,783, G>A on the plus strand (C>T on the coding strand, the complement: NDUFA11 is on the minus strand). VCF-style: chr19-5894783-G-A. GRCh37 (hg19) VCF-style: chr19-5894794-G-A.
Other names: c.314-1493C>T (NM_001193375.3); short protein forms R129W.
Identifiers: ClinVar variation 1430834 (VCV001430834.5), dbSNP rs200470989, ClinGen allele CA9118894.

ClinVar aggregate classification (germline): Uncertain significance (1 of 4 stars; one submission).

Allele frequency attached by ClinVar (database versions not stated): gnomAD exomes 0.00008 and 0.00004; TOPMed 0.00008; gnomAD 0.00006; ESP Exome Variant Server 0.00008; ExAC 0.00010; 1000 Genomes Project 30x 0.00016; 1000 Genomes Project 0.00020.
gnomAD v4.1: 75 of 1,613,598 alleles (0.0046%); highest among the groups gnomAD compares: Admixed American, 0.012%; no homozygotes.

Submission:

Labcorp Genetics (formerly Invitae), Labcorp
Classification: Uncertain significance. Last evaluated: 2022-06-13. Review status: criteria provided, single submitter. Criteria: Invitae Variant Classification Sherloc (09022015). Collection method: clinical testing. Allele origin: germline.
Comment: In summary, the available evidence is currently insufficient to determine the role of this variant in disease. Therefore, it has been classified as a Variant of Uncertain Significance. Algorithms developed to predict the effect of missense changes on protein structure and function are either unavailable or do not agree on the potential impact of this missense change (SIFT: "Deleterious"; PolyPhen-2: "Probably Damaging"; Align-GVGD: "Class C0"). This variant has not been reported in the literature in individuals affected with NDUFA11-related conditions. This variant is present in population databases (rs200470989, gnomAD 0.02%). This sequence change replaces arginine, which is basic and polar, with tryptophan, which is neutral and slightly polar, at codon 129 of the NDUFA11 protein (p.Arg129Trp).